The following is an entry in ClinVar:

NM_005263.5(GFI1):c.299-16C>G

Gene: GFI1 (growth factor independent 1 transcriptional repressor; minus strand). Cytogenetic location: 1p22.1.
Variant type: single nucleotide variant.
Coding change: c.299-16C>G on transcript NM_005263.5 (MANE Select); 16 bases into the intron before coding-DNA position 299, C replaced by G.
Molecular consequence: intron variant.
Genome position (GRCh38, 1-based): chr1:92,481,104, G>C on the plus strand (C>G on the coding strand, the complement: GFI1 is on the minus strand). VCF-style: chr1-92481104-G-C. GRCh37 (hg19) VCF-style: chr1-92946661-G-C.
Other names: c.299-16C>G (NM_001127216.3, NM_001127215.3).
Identifiers: ClinVar variation 3664405 (VCV003664405.2).
Genomic context (GRCh38, chr1:92,481,104, plus strand): 5'-AGGGCTGGGCTTCGTCCAGCGATGGGCACATTGACTTCTCCGAGGCTGTGGAGGCACAAG[G>C]GGAGCGTCCGGTCAGGCTTCAGACGGCAGAGCGGAGGCCGCCGGGCTGCGGCTGCGAGCG-3'

ClinVar aggregate classification (germline): Uncertain significance (1 of 4 stars; one submission).

Conditions:
Neutropenia, severe congenital, 2, autosomal dominant. Identifiers: Orphanet 486, MedGen C2751288, MONDO:0013139, OMIM 613107.

gnomAD v4.1: 3 of 1,602,902 alleles (0.00019%); highest among the groups gnomAD compares: Non-Finnish European, 0.00026%; no homozygotes.

Submission:

Labcorp Genetics (formerly Invitae), Labcorp
Classification: Uncertain significance for Neutropenia, severe congenital, 2, autosomal dominant. Last evaluated: 2024-09-03. Review status: criteria provided, single submitter. Criteria: Invitae Variant Classification Sherloc (09022015). Collection method: clinical testing. Allele origin: germline.
Comment: This sequence change falls in intron 3 of the GFI1 gene. It does not directly change the encoded amino acid sequence of the GFI1 protein. This variant is not present in population databases (gnomAD no frequency). This variant has not been reported in the literature in individuals affected with GFI1-related conditions. Algorithms developed to predict the effect of sequence changes on RNA splicing suggest that this variant may disrupt the consensus splice site. In summary, the available evidence is currently insufficient to determine the role of this variant in disease. Therefore, it has been classified as a Variant of Uncertain Significance.